The following is an entry in ClinVar:

ClinVar aggregate classification (germline): Uncertain significance (1 of 4 stars; one submission).

Allele frequency attached by ClinVar (database versions not stated): gnomAD 0.00001; gnomAD exomes 0.00001; ExAC 0.00002; TOPMed 0.00002.
gnomAD v4.1: 17 of 1,614,088 alleles (0.0011%); highest among the groups gnomAD compares: East Asian, 0.0067%; no homozygotes.

Submission:

Labcorp Genetics (formerly Invitae), Labcorp
Classification: Uncertain significance. Last evaluated: 2022-10-17. Review status: criteria provided, single submitter. Criteria: Invitae Variant Classification Sherloc (09022015). Collection method: clinical testing. Allele origin: germline.
Comment: This sequence change replaces arginine, which is basic and polar, with glutamine, which is neutral and polar, at codon 316 of the TBXAS1 protein (p.Arg316Gln). This variant is present in population databases (rs758496547, gnomAD 0.004%). This variant has not been reported in the literature in individuals affected with TBXAS1-related conditions. Algorithms developed to predict the effect of missense changes on protein structure and function output the following: SIFT: "Tolerated"; PolyPhen-2: "Benign"; Align-GVGD: "Class C0". The glutamine amino acid residue is found in multiple mammalian species, which suggests that this missense change does not adversely affect protein function. In summary, the available evidence is currently insufficient to determine the role of this variant in disease. Therefore, it has been classified as a Variant of Uncertain Significance.

NM_001061.7(TBXAS1):c.944G>A (p.Arg315Gln)

Gene: TBXAS1 (thromboxane A synthase 1; plus strand). Cytogenetic location: 7q34.
Variant type: single nucleotide variant.
Coding change: c.944G>A on transcript NM_001061.7 (MANE Select); coding-DNA position 944, G replaced by A.
Protein change: p.Arg315Gln; replaces arginine 315 with glutamine.
Molecular consequence: missense variant.
Genome position (GRCh38, 1-based): chr7:139,962,043, G>A. VCF-style: chr7-139962043-G-A. GRCh37 (hg19) VCF-style: chr7-139661842-G-A.
Other names: c.944G>A, p.Arg315Gln (NM_001130966.5, NM_030984.6); c.1082G>A, p.Arg361Gln (NM_001166253.4); c.743G>A, p.Arg248Gln (NM_001166254.4); c.887G>A, p.Arg296Gln (NM_001314028.4); c.761G>A, p.Arg254Gln (NM_001366537.3); short protein forms R361Q, R248Q, R315Q, R316Q, R362Q, R254Q, R296Q.
Identifiers: ClinVar variation 1930672 (VCV001930672.2), dbSNP rs758496547, ClinGen allele CA4511854.
Genomic context (GRCh38, chr7:139,962,043, plus strand): 5'-AAGACTTTGACATCGTCAGAGACGTTTTCTCCTCTACTGGGTGCAAGCCGAACCCTTCCC[G>A]GCAACACCAGCCCAGCCCTATGGCCAGGCCTTTGACTGTGGATGAGATTGTGGGCCAGGC-3'
Protein context (NP_001052.3, residues 305-325): SSTGCKPNPS[Arg315Gln]QHQPSPMARP